The following is an entry in ClinVar:

NM_001077653.2(TBX20):c.418dup (p.Val140fs)

Gene: TBX20 (T-box transcription factor 20; minus strand). Cytogenetic location: 7p14.2.
Variant type: Duplication.
Coding change: c.418dup on transcript NM_001077653.2 (MANE Select); coding-DNA position 418, one base duplicated (G; older notation c.418dupG).
Protein change: p.Val140fs; shifts the reading frame from valine 140.
Molecular consequence: frameshift variant.
Genome position (GRCh38, 1-based): chr7:35,248,804, C duplicated on the plus strand (G on the coding strand, the reverse complement: TBX20 is on the minus strand); the first of 5 consecutive C bases (chr7:35,248,804-35,248,808); duplicating any one gives the same sequence. VCF-style (leftmost placement, unchanged base first): chr7-35248803-A-AC. GRCh37 (hg19) VCF-style: chr7-35288415-A-AC.
Other names: c.418dup, p.Val140fs (NM_001166220.1); c.418dupG (NM_001077653.2); short protein forms V140fs.
Identifiers: ClinVar variation 1517085 (VCV001517085.8), dbSNP rs1562567739, ClinGen allele CA2573142082.

ClinVar aggregate classification (germline): Pathogenic/Likely pathogenic. Review status: criteria provided, multiple submitters, no conflicts (2 of 4 stars). 2 submissions from 2 submitters: Pathogenic (1); Likely pathogenic (1). Last evaluated 2023-06-13.

Conditions:
Cardiovascular phenotype. Identifiers: MedGen CN230736.

Submissions (2):

Labcorp Genetics (formerly Invitae), Labcorp
Classification: Pathogenic. Last evaluated: 2023-06-13. Review status: criteria provided, single submitter. Criteria: Invitae Variant Classification Sherloc (09022015). Collection method: clinical testing. Allele origin: germline.
Comment: For these reasons, this variant has been classified as Pathogenic. ClinVar contains an entry for this variant (Variation ID: 1517085). This variant has not been reported in the literature in individuals affected with TBX20-related conditions. This variant is not present in population databases (gnomAD no frequency). This sequence change creates a premature translational stop signal (p.Val140Glyfs*4) in the TBX20 gene. It is expected to result in an absent or disrupted protein product. Loss-of-function variants in TBX20 are known to be pathogenic (PMID: 15901664, 25625280, 26118961, 27510170).

Ambry Genetics
Classification: Likely pathogenic for Cardiovascular phenotype. Last evaluated: 2021-10-22. Review status: criteria provided, single submitter. Criteria: Ambry Variant Classification Scheme 2023. Collection method: clinical testing. Allele origin: germline.
Comment: The c.418dupG variant, located in coding exon 3 of the TBX20 gene, results from a duplication of G at nucleotide position 418, causing a translational frameshift with a predicted alternate stop codon (p.V140Gfs*4). This variant has been reported in individuals with left ventricular non-compaction (LVNC) (Ambry internal data). This alteration is expected to result in loss of function by premature protein truncation or nonsense-mediated mRNA decay. Loss of function of TBX20 has not been clearly established as a mechanism of disease; however, loss of function alterations have been detected in multiple individuals with cardiac phenotypes, including dilated cardiomyopathy (DCM), left ventricular non-compaction (LVNC), and congenital heart defects, and have been shown to segregate with disease in several families (Zhou YM et al. Mol Med Rep, 2016 Oct;14:3307-14;Huang RT et al. Int J Med Sci, 2017 Mar;14:323-332; Miszalski-Jamka K et al. Circ Cardiovasc Genet, 2017 Aug;10:[Epub ahead of print]). Based on the majority of available evidence to date, this variant is likely to be pathogenic.

Literature cited by the submitters: PubMed 15901664 (cited by Labcorp Genetics (formerly Invitae), Labcorp); PubMed 25625280 (cited by Labcorp Genetics (formerly Invitae), Labcorp); PubMed 26118961 (cited by Labcorp Genetics (formerly Invitae), Labcorp); PubMed 27510170 (cited by Labcorp Genetics (formerly Invitae), Labcorp and Ambry Genetics); PubMed 28553164 (cited by Ambry Genetics); PubMed 28798025 (cited by Ambry Genetics).